The following is an entry in ClinVar:

NM_014384.3(ACAD8):c.286G>A (p.Gly96Ser)

Gene: ACAD8 (acyl-CoA dehydrogenase family member 8; plus strand). Cytogenetic location: 11q25.
Variant type: single nucleotide variant.
Coding change: c.286G>A on transcript NM_014384.3 (MANE Select); coding-DNA position 286, G replaced by A.
Protein change: p.Gly96Ser; replaces glycine 96 with serine.
Molecular consequence: missense variant.
Genome position (GRCh38, 1-based): chr11:134,257,163, G>A. VCF-style: chr11-134257163-G-A. GRCh37 (hg19) VCF-style: chr11-134127057-G-A.
Other names: c.286G>A (NM_014384.2); short protein forms G96S.
Identifiers: ClinVar variation 1452755 (VCV001452755.12), dbSNP rs773472208, ClinGen allele CA6372895.

ClinVar aggregate classification (germline): Pathogenic. Review status: criteria provided, multiple submitters, no conflicts (2 of 4 stars). 3 submissions from 3 submitters: Pathogenic (2). 1 of the submissions does not count toward it. Last evaluated 2026-01-28.

Conditions:
Deficiency of isobutyryl-CoA dehydrogenase. Also called: ACAD8 DEFICIENCY; IBD DEFICIENCY; ACYL-CoA DEHYDROGENASE FAMILY, MEMBER 8, DEFICIENCY OF. Identifiers: Orphanet 79159, MedGen C1969809, MONDO:0012648, OMIM 611283.

Allele frequency attached by ClinVar (database versions not stated): gnomAD 0.00001; gnomAD exomes 0.00001 and 0.00012; TOPMed 0.00005; ExAC 0.00010.
gnomAD v4.1: 24 of 1,614,050 alleles (0.0015%); highest among the groups gnomAD compares: East Asian, 0.049%; no homozygotes.

Submissions (3):

Labcorp Genetics (formerly Invitae), Labcorp
Classification: Pathogenic for Deficiency of isobutyryl-CoA dehydrogenase. Last evaluated: 2026-01-28. Review status: criteria provided, single submitter. Criteria: Invitae Variant Classification Sherloc (09022015). Collection method: clinical testing. Allele origin: germline.
Comment: This sequence change replaces glycine, which is neutral and non-polar, with serine, which is neutral and polar, at codon 96 of the ACAD8 protein (p.Gly96Ser). This variant is present in population databases (rs773472208, gnomAD 0.2%). This missense change has been observed in individual(s) with isobutyryl-CoA dehydrogenase deficiency (PMID: 30253142, 35154245). In at least one individual the data is consistent with being in trans (on the opposite chromosome) from a pathogenic variant. It has also been observed to segregate with disease in related individuals. ClinVar contains an entry for this variant (Variation ID: 1452755). Invitae Evidence Modeling of protein sequence and biophysical properties (such as structural, functional, and spatial information, amino acid conservation, physicochemical variation, residue mobility, and thermodynamic stability) has been performed for this missense variant. However, the output from this modeling did not meet the statistical confidence thresholds required to predict the impact of this variant on ACAD8 protein function. For these reasons, this variant has been classified as Pathogenic.

Juno Genomics, Hangzhou Juno Genomics, Inc
Classification: Pathogenic for Deficiency of isobutyryl-CoA dehydrogenase. Review status: criteria provided, single submitter. Criteria: ACMG Guidelines, 2015. Collection method: clinical testing. Allele origin: germline. Affected: yes.
Comment: Absent from controls (or at extremely low frequency if recessive) in Genome Aggregation Database, Exome Sequencing Project, 1000 Genomes Project, or Exome Aggregation Consortium.;Multiple lines of computational evidence support a deleterious effect on the gene or gene product (conservation, evolutionary, splicing impact, etc).;For recessive disorders, detected in trans with a pathogenic variant.;Patient's phenotype or family history is highly specific for a disease with a single genetic etiology.

Neonatal Disease Screening Center, Medical Genetics Center, Huaihua City Maternal and Child Health Care Hospital
Classification: Pathogenic for Deficiency of isobutyryl-CoA dehydrogenase. Review status: no assertion criteria provided. Criteria: ACMG Guidelines, 2015. Collection method: clinical testing. Allele origin: germline. Affected: yes. Observed: 1 variant allele. Not counted in ClinVar's aggregate classification.
Comment: PM3_VS+PP1+PP3

Literature cited by the submitters: PubMed 30253142 (cited by Labcorp Genetics (formerly Invitae), Labcorp); PubMed 35154245 (cited by Labcorp Genetics (formerly Invitae), Labcorp).